The following is an entry in ClinVar:

ClinVar aggregate classification (germline): Uncertain significance (1 of 4 stars; one submission).

Allele frequency attached by ClinVar (database versions not stated): TOPMed 0.00001; gnomAD exomes below 0.00001 and 0.00001.
gnomAD v4.1: 2 of 1,614,182 alleles (0.00012%); highest among the groups gnomAD compares: Admixed American, 0.0033%; no homozygotes.

Submission:

Labcorp Genetics (formerly Invitae), Labcorp
Classification: Uncertain significance. Last evaluated: 2025-04-14. Review status: criteria provided, single submitter. Criteria: Invitae Variant Classification Sherloc (09022015). Collection method: clinical testing. Allele origin: germline.
Comment: This sequence change replaces alanine, which is neutral and non-polar, with serine, which is neutral and polar, at codon 86 of the VCAN protein (p.Ala86Ser). This variant is present in population databases (no rsID available, gnomAD 0.006%). This variant has not been reported in the literature in individuals affected with VCAN-related conditions. ClinVar contains an entry for this variant (Variation ID: 970233). An algorithm developed to predict the effect of missense changes on protein structure and function (PolyPhen-2) suggests that this variant is likely to be disruptive. In summary, the available evidence is currently insufficient to determine the role of this variant in disease. Therefore, it has been classified as a Variant of Uncertain Significance.

NM_004385.5(VCAN):c.256G>T (p.Ala86Ser)

Gene: VCAN (versican; plus strand). Cytogenetic location: 5q14.2.
Variant type: single nucleotide variant.
Coding change: c.256G>T on transcript NM_004385.5 (MANE Select); coding-DNA position 256, G replaced by T.
Protein change: p.Ala86Ser; replaces alanine 86 with serine.
Molecular consequence: missense variant.
Genome position (GRCh38, 1-based): chr5:83,490,283, G>T. VCF-style: chr5-83490283-G-T. GRCh37 (hg19) VCF-style: chr5-82786102-G-T.
Other names: c.256G>T, p.Ala86Ser (NM_001126336.3, NM_001164097.2, NM_001164098.2); short protein forms A86S.
Identifiers: ClinVar variation 970233 (VCV000970233.10), dbSNP rs1480817689, ClinGen allele CA360295459.